The following is an entry in ClinVar:

ClinVar aggregate classification (germline): Uncertain significance (1 of 4 stars; one submission).

Submission:

GeneDx
Classification: Uncertain significance. Last evaluated: 2024-11-19. Review status: criteria provided, single submitter. Criteria: GeneDx Variant Classification Process June 2021. Collection method: clinical testing. Allele origin: germline. Affected: yes.
Comment: Not observed at significant frequency in large population cohorts (gnomAD); In silico analysis supports that this missense variant has a deleterious effect on protein structure/function; Has not been previously published as pathogenic or benign to our knowledge

NM_006366.3(CAP2):c.155T>C (p.Leu52Pro)

Gene: CAP2 (cyclase associated actin cytoskeleton regulatory protein 2; plus strand). Cytogenetic location: 6p22.3.
Variant type: single nucleotide variant.
Coding change: c.155T>C on transcript NM_006366.3 (MANE Select); coding-DNA position 155, T replaced by C.
Protein change: p.Leu52Pro; replaces leucine 52 with proline.
Molecular consequence: missense variant.
Genome position (GRCh38, 1-based): chr6:17,426,623, T>C. VCF-style: chr6-17426623-T-C. GRCh37 (hg19) VCF-style: chr6-17426854-T-C.
Other names: c.155T>C, p.Leu52Pro (NM_001363533.2, NM_001363534.2); short protein forms L52P.
Identifiers: ClinVar variation 2443481 (VCV002443481.2), dbSNP rs2480828265, ClinGen allele CA362876978.